The following is an entry in ClinVar:

NM_015884.4(MBTPS2):c.439-12_439-11del

Gene: MBTPS2 (membrane bound transcription factor peptidase, site 2; plus strand). Cytogenetic location: Xp22.12.
Variant type: Microsatellite.
Coding change: c.439-12_439-11del on transcript NM_015884.4 (MANE Select); 12 bases into the intron before coding-DNA position 439 through 11 bases into the intron before coding-DNA position 439, 2 bases deleted (GT; older notation c.439-12_439-11delGT).
Molecular consequence: intron variant.
Genome position (GRCh38, 1-based): chrX:21,851,497-21,851,498, GT deleted; deleting any 2 consecutive bases within chrX:21,851,494-21,851,498 gives the same sequence; the c. name uses the placement nearest the transcript's 3' end. VCF-style (leftmost placement, unchanged base first): chrX-21851493-TTG-T. GRCh37 (hg19) VCF-style: chrX-21869611-TTG-T.
Identifiers: ClinVar variation 4703769 (VCV004703769.1).

ClinVar aggregate classification (germline): Uncertain significance (1 of 4 stars; one submission).

Submission:

Labcorp Genetics (formerly Invitae), Labcorp
Classification: Uncertain significance. Last evaluated: 2026-02-02. Review status: criteria provided, single submitter. Criteria: Invitae Variant Classification Sherloc (09022015). Collection method: clinical testing. Allele origin: germline.
Comment: This sequence change falls in intron 3 of the MBTPS2 gene. It does not directly change the encoded amino acid sequence of the MBTPS2 protein. This variant is present in population databases (rs755367889, gnomAD 0.002%). This variant has not been reported in the literature in individuals affected with MBTPS2-related conditions. Algorithms developed to predict the effect of sequence changes on RNA splicing suggest that this variant is not likely to affect RNA splicing. In summary, the available evidence is currently insufficient to determine the role of this variant in disease. Therefore, it has been classified as a Variant of Uncertain Significance.